The following is an entry in ClinVar:

ClinVar aggregate classification (germline): Uncertain significance (1 of 4 stars; one submission).

Conditions:
Loeys-Dietz syndrome 2 (LDS2). Also called: Marfan Syndrome type 2; Marfan like connective tissue disorder; MFS 2; TGFBR2-Related Loeys-Dietz Syndrome; Marfan syndrome, type 2 (formerly); AORTIC ANEURYSM, FAMILIAL THORACIC 3. Identifiers: Orphanet 284973, Orphanet 558, MedGen C2674574, MONDO:0012427, OMIM 610168.

Submission:

Labcorp Genetics (formerly Invitae), Labcorp
Classification: Uncertain significance for Loeys-Dietz syndrome 2. Last evaluated: 2022-04-15. Review status: criteria provided, single submitter. Criteria: Invitae Variant Classification Sherloc (09022015). Collection method: clinical testing. Allele origin: germline.
Comment: This sequence change replaces proline, which is neutral and non-polar, with histidine, which is basic and polar, at codon 161 of the TMPO protein (p.Pro161His). In summary, the available evidence is currently insufficient to determine the role of this variant in disease. Therefore, it has been classified as a Variant of Uncertain Significance. Algorithms developed to predict the effect of missense changes on protein structure and function are either unavailable or do not agree on the potential impact of this missense change (SIFT: "Deleterious"; PolyPhen-2: "Possibly Damaging"; Align-GVGD: "Class C0"). This variant has not been reported in the literature in individuals affected with TMPO-related conditions. This variant is not present in population databases (gnomAD no frequency).

NM_001032283.3(TMPO):c.482C>A (p.Pro161His)

Gene: TMPO (thymopoietin; plus strand). Cytogenetic location: 12q23.1.
Variant type: single nucleotide variant.
Coding change: c.482C>A on transcript NM_001032283.3 (MANE Select); coding-DNA position 482, C replaced by A.
Protein change: p.Pro161His; replaces proline 161 with histidine.
Molecular consequence: missense variant.
Genome position (GRCh38, 1-based): chr12:98,531,755, C>A. VCF-style: chr12-98531755-C-A. GRCh37 (hg19) VCF-style: chr12-98925533-C-A.
Other names: c.482C>A, p.Pro161His (NM_001032284.3, NM_001307975.2, NM_003276.2); short protein forms P161H.
Identifiers: ClinVar variation 2126596 (VCV002126596.4), dbSNP rs1877210566, ClinGen allele CA386151139.